The following is an entry in ClinVar:

ClinVar aggregate classification (germline): Pathogenic/Likely pathogenic. Review status: criteria provided, multiple submitters, no conflicts (2 of 4 stars). 6 submissions from 6 submitters: Pathogenic (3); Likely pathogenic (2). 1 of the submissions does not count toward it. Last evaluated 2023-08-24.

Conditions:
Hereditary nonpolyposis colorectal neoplasms. Identifiers: MedGen C0009405, MeSH D003123.
Hereditary cancer-predisposing syndrome. Also called: Hereditary Cancer Syndrome; Hereditary neoplastic syndrome; Neoplastic Syndromes, Hereditary; Tumor predisposition. Identifiers: Orphanet 140162, MedGen C0027672, MeSH D009386, MONDO:0015356.
Lynch syndrome 5 (LYNCH5). Also called: Hereditary non-polyposis colorectal cancer, type 5; Colorectal cancer, hereditary nonpolyposis, type 5. Identifiers: Orphanet 144, MedGen C1833477, MONDO:0013710, OMIM 614350. Disease mechanism: loss of function.
Endometrial carcinoma. Also called: Endometrial carcinoma, somatic. Identifiers: MedGen C0476089, MONDO:0002447, OMIM 608089, HP:0012114.

Submissions (6):

Myriad Genetics, Inc.
Classification: Pathogenic for Lynch syndrome 5. Last evaluated: 2023-08-24. Review status: criteria provided, single submitter. Criteria: Myriad Autosomal Dominant, Autosomal Recessive and X-Linked Classification Criteria (2023). Collection method: clinical testing. Allele origin: unknown.
Comment: This variant is considered pathogenic. This variant creates a frameshift predicted to result in premature protein truncation.

Labcorp Genetics (formerly Invitae), Labcorp
Classification: Pathogenic for Hereditary nonpolyposis colorectal neoplasms. Last evaluated: 2023-02-03. Review status: criteria provided, single submitter. Criteria: Invitae Variant Classification Sherloc (09022015). Collection method: clinical testing. Allele origin: germline.
Comment: For these reasons, this variant has been classified as Pathogenic. ClinVar contains an entry for this variant (Variation ID: 218064). This premature translational stop signal has been observed in individual(s) with endometrial cancer or complex atypical hyperplasia (PMID: 30612635). This variant is not present in population databases (gnomAD no frequency). This sequence change creates a premature translational stop signal (p.Leu1209Argfs*5) in the MSH6 gene. It is expected to result in an absent or disrupted protein product. Loss-of-function variants in MSH6 are known to be pathogenic (PMID: 18269114, 24362816).

Quest Diagnostics Nichols Institute San Juan Capistrano
Classification: Likely pathogenic. Last evaluated: 2021-04-26. Review status: criteria provided, single submitter. Criteria: Quest Diagnostics criteria. Collection method: clinical testing. Allele origin: unknown.
Comment: This frameshift variant is predicted to cause the premature termination of MSH6 protein synthesis. To the best of our knowledge, the variant has not been reported in the published literature. Based on the available information, this variant is classified as likely pathogenic.

Baylor Genetics
Classification: Likely pathogenic for Endometrial carcinoma. Last evaluated: 2021-04-12. Review status: criteria provided, single submitter. Criteria: ACMG Guidelines, 2015. Collection method: clinical testing. Allele origin: unknown.

Ambry Genetics
Classification: Pathogenic for Hereditary cancer-predisposing syndrome. Last evaluated: 2017-05-18. Review status: criteria provided, single submitter. Criteria: Ambry Variant Classification Scheme 2023. Collection method: clinical testing. Allele origin: germline.
Comment: The c.3626_3627delTG pathogenic mutation, located in coding exon 7 of the MSH6 gene, results from a deletion of two nucleotides at nucleotide positions 3626 to 3627, causing a translational frameshift with a predicted alternate stop codon (p.L1209Rfs*5). This alteration is expected to result in loss of function by premature protein truncation or nonsense-mediated mRNA decay. As such, this alteration is interpreted as a disease-causing mutation.

Mayo Clinic Laboratories, Mayo Clinic
Classification: Likely pathogenic. Review status: no assertion criteria provided. Collection method: research. Allele origin: unknown. Observed: 1 variant allele. Not counted in ClinVar's aggregate classification.

Literature cited by the submitters: PubMed 30612635 (cited by Labcorp Genetics (formerly Invitae), Labcorp); PubMed 18269114 (cited by Labcorp Genetics (formerly Invitae), Labcorp); PubMed 24362816 (cited by Labcorp Genetics (formerly Invitae), Labcorp).

NM_000179.3(MSH6):c.3626_3627del (p.Leu1209fs)

Gene: MSH6 (mutS homolog 6; plus strand). Cytogenetic location: 2p16.3.
Variant type: Deletion.
Coding change: c.3626_3627del on transcript NM_000179.3 (MANE Select); coding-DNA positions 3626 to 3627, 2 bases deleted (TG; older notation c.3626_3627delTG).
Protein change: p.Leu1209fs; shifts the reading frame from leucine 1209.
Molecular consequence: frameshift variant.
Genome position (GRCh38, 1-based): chr2:47,805,687-47,805,688, TG deleted. VCF-style (leftmost placement, unchanged base first): chr2-47805686-CTG-C. GRCh37 (hg19) VCF-style: chr2-48032825-CTG-C.
Other names: c.3236_3237del, p.Leu1079fs (NM_001281492.2); c.2720_2721del, p.Leu907fs (NM_001281493.2, NM_001281494.2); c.3626_3627delTG (NM_000179.2); short protein forms L907fs, L1209fs, L1079fs.
Identifiers: ClinVar variation 218064 (VCV000218064.19), dbSNP rs863225409, ClinGen allele CA279739.